The following is an entry in ClinVar:

ClinVar aggregate classification (germline): Uncertain significance (1 of 4 stars; one submission).

Conditions:
Developmental and epileptic encephalopathy 94 (DEE94). Also called: Epileptic encephalopathy, childhood-onset; CHD2-Related Neurodevelopmental Disorders. Identifiers: Orphanet 1942, Orphanet 2382, MedGen C3809278, MONDO:0014150, OMIM 615369.

Submission:

Neuberg Centre For Genomic Medicine, NCGM
Classification: Uncertain significance for Developmental and epileptic encephalopathy 94. Last evaluated: 2023-07-22. Review status: criteria provided, single submitter. Criteria: ACMG Guidelines, 2015. Collection method: clinical testing. Allele origin: germline. Inheritance: Autosomal dominant inheritance. Affected: yes.
Comment: The splice site donor c.381+3A>G variant in the CHD2 gene has not been reported previously as a pathogenic variant nor as a benign variant, to our knowledge. The variant is absent in the gnomAD Exomes. This splice variant in intron 4 affects the position three nucleotides downstream of exon 4. Splice site prediction tools predict a moderate splicing effect for this variant. Further studies are required to prove the pathogenicity of this variant. For these reasons, this variant has been classified as Uncertain Significance.

NM_001271.4(CHD2):c.381+3A>G

Gene: CHD2 (chromodomain helicase DNA binding protein 2; plus strand). Cytogenetic location: 15q26.1.
Variant type: single nucleotide variant.
Coding change: c.381+3A>G on transcript NM_001271.4 (MANE Select); 3 bases into the intron after coding-DNA position 381, A replaced by G.
Molecular consequence: intron variant.
Genome position (GRCh38, 1-based): chr15:92,927,333, A>G. VCF-style: chr15-92927333-A-G. GRCh37 (hg19) VCF-style: chr15-93470563-A-G.
Other names: c.381+3A>G (NM_001042572.3).
Identifiers: ClinVar variation 3391304 (VCV003391304.1).